The following is an entry in ClinVar:

ClinVar aggregate classification (germline): Uncertain significance (1 of 4 stars; one submission).

Conditions:
Familial encephalopathy with neuroserpin inclusion bodies. Also called: ENCEPHALOPATHY, FAMILIAL, WITH COLLINS BODIES. Identifiers: Orphanet 85110, MedGen C1858680, MONDO:0011412, OMIM 604218.

gnomAD v4.1: 2 of 1,613,660 alleles (0.00012%); highest among the groups gnomAD compares: East Asian, 0.0022%; no homozygotes.

Submission:

Labcorp Genetics (formerly Invitae), Labcorp
Classification: Uncertain significance for Familial encephalopathy with neuroserpin inclusion bodies. Last evaluated: 2025-09-30. Review status: criteria provided, single submitter. Criteria: Invitae Variant Classification Sherloc (09022015). Collection method: clinical testing. Allele origin: germline.
Comment: This sequence change replaces glycine, which is neutral and non-polar, with glutamic acid, which is acidic and polar, at codon 248 of the SERPINI1 protein (p.Gly248Glu). This variant is not present in population databases (gnomAD no frequency). This variant has not been reported in the literature in individuals affected with SERPINI1-related conditions. Invitae Evidence Modeling of protein sequence and biophysical properties (such as structural, functional, and spatial information, amino acid conservation, physicochemical variation, residue mobility, and thermodynamic stability) indicates that this missense variant is not expected to disrupt SERPINI1 protein function with a negative predictive value of 80%. In summary, the available evidence is currently insufficient to determine the role of this variant in disease. Therefore, it has been classified as a Variant of Uncertain Significance.

NM_001122752.2(SERPINI1):c.743G>A (p.Gly248Glu)

Gene: SERPINI1 (serpin family I member 1; plus strand). Cytogenetic location: 3q26.1.
Variant type: single nucleotide variant.
Coding change: c.743G>A on transcript NM_001122752.2 (MANE Select); coding-DNA position 743, G replaced by A.
Protein change: p.Gly248Glu; replaces glycine 248 with glutamic acid.
Molecular consequence: missense variant.
Genome position (GRCh38, 1-based): chr3:167,794,686, G>A. VCF-style: chr3-167794686-G-A. GRCh37 (hg19) VCF-style: chr3-167512474-G-A.
Other names: c.743G>A, p.Gly248Glu (NM_005025.5); short protein forms G248E.
Identifiers: ClinVar variation 4744859 (VCV004744859.1).